The following is an entry in ClinVar:

ClinVar aggregate classification (germline): Uncertain significance. Review status: criteria provided, multiple submitters, no conflicts (2 of 4 stars). 5 submissions from 5 submitters: Uncertain significance (5). Last evaluated 2024-06-05.

Conditions:
Primary ciliary dyskinesia 27. Also called: CILIARY DYSKINESIA, PRIMARY, 27, WITHOUT SITUS INVERSUS. Identifiers: Orphanet 244, MedGen C3809701, MONDO:0014215, OMIM 615504.
Inborn genetic diseases. Identifiers: MedGen C0950123, MeSH D030342.
Primary ciliary dyskinesia. Also called: Ciliary dyskinesia. Identifiers: Orphanet 244, MedGen C0008780, MONDO:0016575, HP:0012265.

Allele frequency attached by ClinVar (database versions not stated): TOPMed 0.00047; gnomAD exomes 0.00037 and 0.00035; 1000 Genomes Project 0.00040; 1000 Genomes Project 30x 0.00047; ExAC 0.00022; ESP Exome Variant Server 0.00031; gnomAD 0.00057 and 0.00058.
gnomAD v4.1: 618 of 1,614,258 alleles (0.038%); highest among the groups gnomAD compares: Admixed American, 0.2%; 2 homozygotes.

Submissions (5):

Mayo Clinic Laboratories, Mayo Clinic
Classification: Uncertain significance. Last evaluated: 2024-06-05. Review status: criteria provided, single submitter. Criteria: ACMG Guidelines, 2015. Collection method: clinical testing. Allele origin: germline. Observed: 1 variant allele.
Comment: BP4

Molecular Genetics McLendon Clinical Laboratories, University of North Carolina at Chapel Hill
Classification: Uncertain significance for Primary ciliary dyskinesia. Last evaluated: 2022-12-01. Review status: criteria provided, single submitter. Criteria: ACMG Guidelines, 2015. Collection method: clinical testing. Allele origin: germline.

Labcorp Genetics (formerly Invitae), Labcorp
Classification: Uncertain significance for Primary ciliary dyskinesia 27. Last evaluated: 2022-10-17. Review status: criteria provided, single submitter. Criteria: Invitae Variant Classification Sherloc (09022015). Collection method: clinical testing. Allele origin: germline.
Comment: This sequence change replaces glutamine, which is neutral and polar, with arginine, which is basic and polar, at codon 227 of the CCDC65 protein (p.Gln227Arg). This variant is present in population databases (rs149640178, gnomAD 0.1%), including at least one homozygous and/or hemizygous individual. This variant has not been reported in the literature in individuals affected with CCDC65-related conditions. ClinVar contains an entry for this variant (Variation ID: 411134). Algorithms developed to predict the effect of missense changes on protein structure and function are either unavailable or do not agree on the potential impact of this missense change (SIFT: "Tolerated"; PolyPhen-2: "Possibly Damaging"; Align-GVGD: "Class C0"). In summary, the available evidence is currently insufficient to determine the role of this variant in disease. Therefore, it has been classified as a Variant of Uncertain Significance.

Ambry Genetics
Classification: Uncertain significance for Inborn genetic diseases. Last evaluated: 2021-09-01. Review status: criteria provided, single submitter. Criteria: Ambry Variant Classification Scheme 2023. Collection method: clinical testing. Allele origin: germline.

UNC Molecular Genetics  Laboratory, University of North Carolina at Chapel Hill
Classification: Uncertain significance for Primary ciliary dyskinesia. Last evaluated: 2020-07-14. Review status: criteria provided, single submitter. Criteria: ACMG Guidelines, 2015. Collection method: clinical testing. Allele origin: germline. Observed: 1 heterozygote.

NM_033124.5(DRC2):c.680A>G (p.Gln227Arg)

Gene: DRC2 (dynein regulatory complex subunit 2; plus strand). Cytogenetic location: 12q13.12.
Variant type: single nucleotide variant.
Coding change: c.680A>G on transcript NM_033124.5 (MANE Select); coding-DNA position 680, A replaced by G.
Protein change: p.Gln227Arg; replaces glutamine 227 with arginine.
Molecular consequence: missense variant.
Genome position (GRCh38, 1-based): chr12:48,918,345, A>G. VCF-style: chr12-48918345-A-G. GRCh37 (hg19) VCF-style: chr12-49312128-A-G.
Other names: p.Gln227Arg; c.251A>G, p.Gln84Arg (NM_001286957.2); short protein forms Q227R, Q84R.
Identifiers: ClinVar variation 411134 (VCV000411134.19), dbSNP rs149640178, ClinGen allele CA6543307.